The following is an entry in ClinVar:

NM_206933.4(USH2A):c.14449G>A (p.Gly4817Arg)

Gene: USH2A (usherin; minus strand). Cytogenetic location: 1q41.
Variant type: single nucleotide variant.
Coding change: c.14449G>A on transcript NM_206933.4 (MANE Select); coding-DNA position 14449, G replaced by A.
Protein change: p.Gly4817Arg; replaces glycine 4817 with arginine.
Molecular consequence: missense variant.
Genome position (GRCh38, 1-based): chr1:215,648,661, C>T on the plus strand (G>A on the coding strand, the complement: USH2A is on the minus strand). VCF-style: chr1-215648661-C-T. GRCh37 (hg19) VCF-style: chr1-215822003-C-T.
Other names: short protein forms G4817R.
Identifiers: ClinVar variation 2180432 (VCV002180432.3), dbSNP rs2464815939, ClinGen allele CA344833730.

ClinVar aggregate classification (germline): Pathogenic (1 of 4 stars; one submission).

Submission:

Labcorp Genetics (formerly Invitae), Labcorp
Classification: Pathogenic. Last evaluated: 2024-11-18. Review status: criteria provided, single submitter. Criteria: Invitae Variant Classification Sherloc (09022015). Collection method: clinical testing. Allele origin: germline.
Comment: This sequence change replaces glycine, which is neutral and non-polar, with arginine, which is basic and polar, at codon 4817 of the USH2A protein (p.Gly4817Arg). This variant is not present in population databases (gnomAD no frequency). This missense change has been observed in individual(s) with USH2A-related conditions and/or Usher syndrome (PMID: 20507924; internal data). In at least one individual the data is consistent with being in trans (on the opposite chromosome) from a pathogenic variant. ClinVar contains an entry for this variant (Variation ID: 2180432). Invitae Evidence Modeling of protein sequence and biophysical properties (such as structural, functional, and spatial information, amino acid conservation, physicochemical variation, residue mobility, and thermodynamic stability) indicates that this missense variant is expected to disrupt USH2A protein function with a positive predictive value of 95%. For these reasons, this variant has been classified as Pathogenic.

Literature cited by the submitters: PubMed 20507924.